The following is an entry in ClinVar:

NM_006767.4(LZTR1):c.2251T>C (p.Phe751Leu)

Gene: LZTR1 (leucine zipper like post translational regulator 1; plus strand). Cytogenetic location: 22q11.21.
Variant type: single nucleotide variant.
Coding change: c.2251T>C on transcript NM_006767.4 (MANE Select); coding-DNA position 2251, T replaced by C.
Protein change: p.Phe751Leu; replaces phenylalanine 751 with leucine.
Molecular consequence: missense variant.
Genome position (GRCh38, 1-based): chr22:20,996,727, T>C. VCF-style: chr22-20996727-T-C. GRCh37 (hg19) VCF-style: chr22-21351016-T-C.
Other names: short protein forms F751L.
Identifiers: ClinVar variation 2114092 (VCV002114092.5), dbSNP rs2518625675, ClinGen allele CA410780788.

ClinVar aggregate classification (germline): Uncertain significance. Review status: criteria provided, multiple submitters, no conflicts (2 of 4 stars). 2 submissions from 2 submitters: Uncertain significance (2). Last evaluated 2024-04-24.

Submissions (2):

Blueprint Genetics
Classification: Uncertain significance. Last evaluated: 2024-04-24. Review status: criteria provided, single submitter. Criteria: ACMG Guidelines, 2015. Collection method: clinical testing. Allele origin: germline.

Labcorp Genetics (formerly Invitae), Labcorp
Classification: Uncertain significance. Last evaluated: 2022-04-15. Review status: criteria provided, single submitter. Criteria: Invitae Variant Classification Sherloc (09022015). Collection method: clinical testing. Allele origin: germline.
Comment: This variant is not present in population databases (gnomAD no frequency). This sequence change replaces phenylalanine, which is neutral and non-polar, with leucine, which is neutral and non-polar, at codon 751 of the LZTR1 protein (p.Phe751Leu). This variant has not been reported in the literature in individuals affected with LZTR1-related conditions. In summary, the available evidence is currently insufficient to determine the role of this variant in disease. Therefore, it has been classified as a Variant of Uncertain Significance. Algorithms developed to predict the effect of missense changes on protein structure and function are either unavailable or do not agree on the potential impact of this missense change (SIFT: "Tolerated"; PolyPhen-2: "Possibly Damaging"; Align-GVGD: "Class C0").